The following is an entry in ClinVar:

ClinVar aggregate classification (germline): Likely pathogenic (1 of 4 stars; one submission).

Conditions:
Primary ciliary dyskinesia 3. Identifiers: Orphanet 244, MedGen C1837618, MONDO:0012085, OMIM 608644.

Submission:

Myriad Genetics, Inc.
Classification: Likely pathogenic for Primary ciliary dyskinesia 3. Last evaluated: 2022-04-13. Review status: criteria provided, single submitter. Criteria: Myriad Women's Health Autosomal Recessive and X-Linked Classification Criteria (2021). Collection method: clinical testing. Allele origin: unknown.
Comment: NM_001369.2(DNAH5):c.587_588ins13(Q197Sfs*35) is expected to be pathogenic in the context of DNAH5-related primary ciliary dyskinesia. This variant is predicted to lead to an abnormal or absent protein product due to the creation of a premature termination codon in DNAH5, a gene where loss-of-function variants are known to be pathogenic. Please note: this variant was assessed in the context of healthy population screening.

NM_001369.3(DNAH5):c.587_588insTTCACAAAGCCTT (p.Gln197fs)

Gene: DNAH5 (dynein axonemal heavy chain 5; minus strand). Cytogenetic location: 5p15.2.
Variant type: Insertion.
Coding change: c.587_588insTTCACAAAGCCTT on transcript NM_001369.3 (MANE Select); coding-DNA positions 587 to 588, TTCACAAAGCCTT inserted.
Protein change: p.Gln197fs; shifts the reading frame from glutamine 197.
Molecular consequence: frameshift variant.
Genome position: GRCh38 VCF-style: chr5-13922179-G-GAAGGCTTTGTGAA. GRCh37 (hg19) VCF-style: chr5-13922288-G-GAAGGCTTTGTGAA.
Other names: short protein forms Q197fs.
Identifiers: ClinVar variation 1725913 (VCV001725913.2), dbSNP rs2547155819, ClinGen allele CA2580072120.
Genomic context (GRCh38, chr5:13,922,179, plus strand): 5'-ACTCTCCTGTGCACCCGACAGGACGTTCACAAAGCCTTCCAGGGAGCTCAAGAACTCCTG[G>GAAGGCTTTGTGAA]CGAATGTTAGCTGCGTCCTGAAGGCCCTCGAGCTCGCCCCAGCCATGGCTCGTGGCTCTG-3'